The following is an entry in ClinVar:

NM_020831.6(MRTFA):c.2004C>G (p.Pro668=)

Gene: MRTFA (myocardin related transcription factor A; minus strand). Cytogenetic location: 22q13.1.
Variant type: single nucleotide variant.
Coding change: c.2004C>G on transcript NM_020831.6 (MANE Select); coding-DNA position 2004, C replaced by G.
Protein change: p.Pro668=; no amino-acid change (proline 668 retained).
Molecular consequence: synonymous variant.
Genome position (GRCh38, 1-based): chr22:40,418,734, G>C on the plus strand (C>G on the coding strand, the complement: MRTFA is on the minus strand). VCF-style: chr22-40418734-G-C. GRCh37 (hg19) VCF-style: chr22-40814738-G-C.
Other names: c.1704C>G, p.Pro568= (NM_001282660.2); c.1854C>G, p.Pro618= (NM_001282661.3); c.2004C>G, p.Pro668= (NM_001282662.3); c.1809C>G, p.Pro603= (NM_001318139.2); c.1704C>G (NM_020831.4).
Identifiers: ClinVar variation 1115123 (VCV001115123.38), dbSNP rs373182628, ClinGen allele CA10249474.

ClinVar aggregate classification (germline): Benign/Likely benign. Review status: criteria provided, multiple submitters, no conflicts (2 of 4 stars). 6 submissions from 6 submitters: Benign (2); Likely benign (3). 1 of the submissions does not count toward it. Last evaluated 2026-02-02.

Conditions:
MRTFA-related disorder. Also called: MRTFA-related condition.

Allele frequency attached by ClinVar (database versions not stated): 1000 Genomes Project 0.00180; 1000 Genomes Project 30x 0.00234; ESP Exome Variant Server 0.00257.
gnomAD v4.1: 14,904 of 1,469,248 alleles (1%); highest among the groups gnomAD compares: Non-Finnish European, 1.3%; 107 homozygotes.

Submissions (6):

Labcorp Genetics (formerly Invitae), Labcorp
Classification: Likely benign. Last evaluated: 2026-02-02. Review status: criteria provided, single submitter. Criteria: Invitae Variant Classification Sherloc (09022015). Collection method: clinical testing. Allele origin: germline.

Blueprint Genetics
Classification: Likely benign. Last evaluated: 2024-11-28. Review status: criteria provided, single submitter. Criteria: ACMG Guidelines, 2015. Collection method: clinical testing. Allele origin: germline.

CeGaT Center for Human Genetics Tuebingen
Classification: Benign. Last evaluated: 2023-01-01. Review status: criteria provided, single submitter. Criteria: CeGaT Center For Human Genetics Tuebingen Variant Classification Criteria Version 2. Collection method: clinical testing. Allele origin: germline. Affected: yes. Observed: 1 variant allele.
Comment: MRTFA: BP4, BP7, BS1, BS2

Genetic Services Laboratory, University of Chicago
Classification: Benign. Last evaluated: 2021-05-26. Review status: criteria provided, single submitter. Criteria: ACMG Guidelines, 2015. Collection method: clinical testing. Allele origin: germline. Affected: no.

Breakthrough Genomics
Classification: Likely benign. Review status: criteria provided, single submitter. Criteria: ACMG Guidelines, 2015. Collection method: not provided. Allele origin: germline. Inheritance: Autosomal recessive inheritance. Affected: yes.

PreventionGenetics, part of Exact Sciences
Classification: Benign for MRTFA-related condition. Last evaluated: 2019-07-26. Review status: no assertion criteria provided. Collection method: clinical testing. Allele origin: germline. Not counted in ClinVar's aggregate classification.
Comment: This variant is classified as benign based on ACMG/AMP sequence variant interpretation guidelines (Richards et al. 2015 PMID: 25741868, with internal and published modifications).